The following is an entry in ClinVar:

ClinVar aggregate classification (germline): Likely pathogenic (1 of 4 stars; one submission).

Conditions:
Baller-Gerold syndrome (BGS). Also called: CRANIOSYNOSTOSIS WITH RADIAL DEFECTS. Identifiers: Orphanet 1225, MedGen C0265308, MONDO:0009039, OMIM 218600.

Submission:

Labcorp Genetics (formerly Invitae), Labcorp
Classification: Likely pathogenic for Baller-Gerold syndrome. Last evaluated: 2023-04-10. Review status: criteria provided, single submitter. Criteria: Invitae Variant Classification Sherloc (09022015). Collection method: clinical testing. Allele origin: germline.
Comment: This variant is not present in population databases (gnomAD no frequency). In summary, the currently available evidence indicates that the variant is pathogenic, but additional data are needed to prove that conclusively. Therefore, this variant has been classified as Likely Pathogenic. Algorithms developed to predict the effect of sequence changes on RNA splicing suggest that this variant may disrupt the consensus splice site. ClinVar contains an entry for this variant (Variation ID: 948113). This variant has not been reported in the literature in individuals affected with RECQL4-related conditions. This sequence change affects an acceptor splice site in intron 4 of the RECQL4 gene. It is expected to disrupt RNA splicing. Variants that disrupt the donor or acceptor splice site typically lead to a loss of protein function (PMID: 16199547), and loss-of-function variants in RECQL4 are known to be pathogenic (PMID: 12734318, 12952869).

Literature cited by the submitters: PubMed 16199547; PubMed 12734318; PubMed 12952869.

NM_004260.4(RECQL4):c.355-1G>T

Gene: RECQL4 (RecQ like helicase 4; minus strand). Cytogenetic location: 8q24.3.
Variant type: single nucleotide variant.
Coding change: c.355-1G>T on transcript NM_004260.4 (MANE Select); the canonical splice acceptor site of the intron before coding-DNA position 355, G replaced by T.
Molecular consequence: splice acceptor variant. On other transcripts: intron variant (5).
Genome position (GRCh38, 1-based): chr8:144,516,765, C>A on the plus strand (G>T on the coding strand, the complement: RECQL4 is on the minus strand). VCF-style: chr8-144516765-C-A. GRCh37 (hg19) VCF-style: chr8-145742149-C-A.
Other names: c.226-1G>T (NM_001413025.1); c.354+285G>T (NM_001413029.1); c.-676-104G>T (NM_001413032.1); c.-614-104G>T (NM_001413035.1, NM_001413024.1); c.355-1G>T (NM_001413017.1, NM_001413020.1, NM_001413039.1 and 4 more transcripts); c.-779-1G>T (NM_001413027.1, NM_001413031.1, NM_001413030.1 and 1 more transcripts); c.-717-1G>T (NM_001413040.1, NM_001413042.1, NM_001413037.1 and 3 more transcripts); c.-367+285G>T (NM_001413021.1); and 3 more.
Identifiers: ClinVar variation 948113 (VCV000948113.7), dbSNP rs1815108719, ClinGen allele CA372691803.